The following is an entry in ClinVar:

ClinVar aggregate classification (germline): Uncertain significance. Review status: criteria provided, multiple submitters, no conflicts (2 of 4 stars). 2 submissions from 2 submitters: Uncertain significance (2). Last evaluated 2022-10-08.

Conditions:
Hyperkalemic periodic paralysis. Also called: Familial hyperkalemic periodic paralysis; Gamstorp disease. Identifiers: Orphanet 682, MedGen C0238357, MONDO:0008224, OMIM 170500, HP:0007215.

gnomAD v4.1: 14 of 1,613,776 alleles (0.00087%); highest among the groups gnomAD compares: East Asian, 0.0089%; no homozygotes.

Submissions (2):

Labcorp Genetics (formerly Invitae), Labcorp
Classification: Uncertain significance for Hyperkalemic periodic paralysis. Last evaluated: 2022-10-08. Review status: criteria provided, single submitter. Criteria: Invitae Variant Classification Sherloc (09022015). Collection method: clinical testing. Allele origin: germline.
Comment: This variant is present in population databases (rs112142736, gnomAD 0.02%). In summary, the available evidence is currently insufficient to determine the role of this variant in disease. Therefore, it has been classified as a Variant of Uncertain Significance. Advanced modeling of protein sequence and biophysical properties (such as structural, functional, and spatial information, amino acid conservation, physicochemical variation, residue mobility, and thermodynamic stability) has been performed at Invitae for this missense variant, however the output from this modeling did not meet the statistical confidence thresholds required to predict the impact of this variant on SCN4A protein function. This variant has not been reported in the literature in individuals affected with SCN4A-related conditions. This sequence change replaces arginine, which is basic and polar, with glutamine, which is neutral and polar, at codon 31 of the SCN4A protein (p.Arg31Gln).

Revvity Omics, Revvity
Classification: Uncertain significance. Last evaluated: 2020-10-06. Review status: criteria provided, single submitter. Criteria: ACMG Guidelines, 2015. Collection method: clinical testing. Allele origin: germline.

NM_000334.4(SCN4A):c.92G>A (p.Arg31Gln)

Gene: SCN4A (sodium voltage-gated channel alpha subunit 4; minus strand). Cytogenetic location: 17q23.3.
Variant type: single nucleotide variant.
Coding change: c.92G>A on transcript NM_000334.4 (MANE Select); coding-DNA position 92, G replaced by A.
Protein change: p.Arg31Gln; replaces arginine 31 with glutamine.
Molecular consequence: missense variant.
Genome position (GRCh38, 1-based): chr17:63,972,750, C>T on the plus strand (G>A on the coding strand, the complement: SCN4A is on the minus strand). VCF-style: chr17-63972750-C-T. GRCh37 (hg19) VCF-style: chr17-62050110-C-T.
Other names: short protein forms R31Q.
Identifiers: ClinVar variation 2168187 (VCV002168187.7), dbSNP rs112142736, ClinGen allele CA8710290.